The following is an entry in ClinVar:

NM_001377265.1(MAPT):c.1974G>A (p.Leu658=)

Gene: MAPT (microtubule associated protein tau). Cytogenetic location: 17q21.31.
Variant type: single nucleotide variant.
Coding change: c.1974G>A on transcript NM_001377265.1 (MANE Select); coding-DNA position 1974, G replaced by A.
Protein change: p.Leu658=; no amino-acid change (leucine 658 retained).
Molecular consequence: synonymous variant. On other transcripts: non-coding transcript variant (1).
Genome position (GRCh38, 1-based): chr17:45,996,640, G>A. VCF-style: chr17-45996640-G-A. GRCh37 (hg19) VCF-style: chr17-44074006-G-A.
Other names: c.1803G>A, p.Leu601= (NM_001123066.4); c.711G>A, p.Leu237= (NM_001123067.4, NM_001203251.2, NM_001377267.1); c.798G>A, p.Leu266= (NM_001203252.2, NM_005910.6); c.1776G>A, p.Leu592= (NM_001377266.1); c.624G>A, p.Leu208= (NM_001377268.1, NM_016834.5, NM_016841.5); c.1749G>A, p.Leu583= (NM_016835.5).
Identifiers: ClinVar variation 323647 (VCV000323647.15), dbSNP rs373081497, ClinGen allele CA8618065.

ClinVar aggregate classification (germline): Benign/Likely benign. Review status: criteria provided, multiple submitters, no conflicts (2 of 4 stars). 3 submissions from 3 submitters: Benign (1); Likely benign (2). Last evaluated 2025-12-15.

Conditions:
MAPT-Related Spectrum Disorders.
Frontotemporal dementia (FTD1). Also called: Frontotemporal lobe dementia (FLDEM); Dementia, frontotemporal, with or without parkinsonism; FRONTOTEMPORAL DEMENTIA WITH PARKINSONISM; FRONTOTEMPORAL LOBE DEMENTIA; Frontotemporal Dementia with Parkinsonism-17 (FTDP-17); MULTIPLE SYSTEM TAUOPATHY WITH PRESENILE DEMENTIA. Identifiers: Orphanet 282, MedGen C0338451, MONDO:0017276, OMIM 600274, HP:0002145.

Allele frequency attached by ClinVar (database versions not stated): gnomAD below 0.00001 and 0.00015; TOPMed 0.00003; gnomAD exomes 0.00026 and 0.00058; 1000 Genomes Project 30x 0.00062; ExAC 0.00067; 1000 Genomes Project 0.00080.
gnomAD v4.1: 412 of 1,613,946 alleles (0.026%); highest among the groups gnomAD compares: South Asian, 0.43%; 3 homozygotes.

Submissions (3):

Labcorp Genetics (formerly Invitae), Labcorp
Classification: Benign for Frontotemporal dementia. Last evaluated: 2025-12-15. Review status: criteria provided, single submitter. Criteria: Invitae Variant Classification Sherloc (09022015). Collection method: clinical testing. Allele origin: germline.

Blueprint Genetics
Classification: Likely benign. Last evaluated: 2024-10-04. Review status: criteria provided, single submitter. Criteria: ACMG Guidelines, 2015. Collection method: clinical testing. Allele origin: germline.

Illumina Laboratory Services, Illumina
Classification: Likely benign for MAPT-Related Spectrum Disorders. Last evaluated: 2017-04-27. Review status: criteria provided, single submitter. Criteria: ICSL Variant Classification Criteria 13 December 2019. Collection method: clinical testing. Allele origin: germline.
Comment: This variant was observed as part of a predisposition screen in an ostensibly healthy population. A literature search was performed for the gene, cDNA change, and amino acid change (where applicable). No publications were found based on this search. Allele frequency data from public databases allowed determination this variant is unlikely to cause disease. Therefore, this variant is classified as likely benign.